The following is an entry in ClinVar:

ClinVar aggregate classification (germline): Conflicting classifications of pathogenicity. Review status: criteria provided, conflicting classifications (1 of 4 stars). 3 submissions from 2 submitters: Uncertain significance (1); Benign (1); Likely benign (1). Last evaluated 2024-03-13.

Conditions:
Hypothyroidism due to TSH receptor mutations. Also called: Hypothyroidism, congenital, nongoitrous, 1; HYPOTHYROIDISM DUE TO UNRESPONSIVENESS TO THYROTROPIN; HYPOTHYROIDISM, CONGENITAL, DUE TO TSH RESISTANCE; HYPOTHYROIDISM, NONAUTOIMMUNE; THYROID-STIMULATING HORMONE, RESISTANCE TO; TSH RESISTANCE. Identifiers: Orphanet 90673, MedGen C3493776, MONDO:0010142, OMIM 275200.
Familial hyperthyroidism due to mutations in TSH receptor. Also called: HYPERTHYROIDISM, CONGENITAL NONAUTOIMMUNE; HYPERTHYROIDISM, NONAUTOIMMUNE, AUTOSOMAL DOMINANT; TOXIC THYROID HYPERPLASIA, AUTOSOMAL DOMINANT. Identifiers: Orphanet 424, MedGen C1836706, MONDO:0012203, OMIM 609152.

Allele frequency attached by ClinVar (database versions not stated): ESP Exome Variant Server 0.00008; ExAC 0.00009; TOPMed 0.00018.
gnomAD v4.1: 263 of 1,614,072 alleles (0.016%); highest among the groups gnomAD compares: Non-Finnish European, 0.021%; no homozygotes.

Submissions (3):

Labcorp Genetics (formerly Invitae), Labcorp
Classification: Likely benign. Last evaluated: 2024-03-13. Review status: criteria provided, single submitter. Criteria: Invitae Variant Classification Sherloc (09022015). Collection method: clinical testing. Allele origin: germline.

Illumina Laboratory Services, Illumina
Classification: Benign for Familial hyperthyroidism due to mutations in TSH receptor. Last evaluated: 2017-04-27. Review status: criteria provided, single submitter. Criteria: ICSL Variant Classification Criteria 13 December 2019. Collection method: clinical testing. Allele origin: germline.
Comment: This variant was observed as part of a predisposition screen in an ostensibly healthy population. A literature search was performed for the gene, cDNA change, and amino acid change (where applicable). No publications were found based on this search. Allele frequency data from public databases was too high to be consistent with this variant causing disease. Therefore, this variant is classified as benign.

Illumina Laboratory Services, Illumina
Classification: Uncertain significance for Hypothyroidism due to TSH receptor mutations. Last evaluated: 2017-04-27. Review status: criteria provided, single submitter. Criteria: ICSL Variant Classification Criteria 13 December 2019. Collection method: clinical testing. Allele origin: germline.

NM_000369.5(TSHR):c.2034T>C (p.Tyr678=)

Genes: TSHR (thyroid stimulating hormone receptor; plus strand), TSHR-AS1 (TSHR antisense RNA 1; minus strand). Cytogenetic location: 14q31.1.
Variant type: single nucleotide variant.
Coding change: c.2034T>C on transcript NM_000369.5 (MANE Select); coding-DNA position 2034, T replaced by C.
Protein change: p.Tyr678=; no amino-acid change (tyrosine 678 retained).
Molecular consequence: synonymous variant.
Genome position (GRCh38, 1-based): chr14:81,144,092, T>C. VCF-style: chr14-81144092-T-C. GRCh37 (hg19) VCF-style: chr14-81610436-T-C.
Identifiers: ClinVar variation 888517 (VCV000888517.7), dbSNP rs370709283, ClinGen allele CA7294564.